The following is an entry in ClinVar:

NM_001276270.2(MBD4):c.1309T>G (p.Ser437Ala)

Gene: MBD4 (methyl-CpG binding domain 4, DNA glycosylase; minus strand). Cytogenetic location: 3q21.3.
Variant type: single nucleotide variant.
Coding change: c.1309T>G on transcript NM_001276270.2 (MANE Select); coding-DNA position 1309, T replaced by G.
Protein change: p.Ser437Ala; replaces serine 437 with alanine.
Molecular consequence: missense variant.
Genome position (GRCh38, 1-based): chr3:129,433,934, A>C on the plus strand (T>G on the coding strand, the complement: MBD4 is on the minus strand). VCF-style: chr3-129433934-A-C. GRCh37 (hg19) VCF-style: chr3-129152777-A-C.
Other names: c.1327T>G, p.Ser443Ala (NM_001276271.2, NM_001276272.2, NM_003925.3); c.373T>G, p.Ser125Ala (NM_001276273.2); short protein forms S125A, S443A, S437A.
Identifiers: ClinVar variation 3729361 (VCV003729361.2).

ClinVar aggregate classification (germline): Uncertain significance (1 of 4 stars; one submission).

Submission:

Labcorp Genetics (formerly Invitae), Labcorp
Classification: Uncertain significance. Last evaluated: 2025-01-22. Review status: criteria provided, single submitter. Criteria: Invitae Variant Classification Sherloc (09022015). Collection method: clinical testing. Allele origin: germline.
Comment: This sequence change replaces serine, which is neutral and polar, with alanine, which is neutral and non-polar, at codon 443 of the MBD4 protein (p.Ser443Ala). This variant is not present in population databases (gnomAD no frequency). This variant has not been reported in the literature in individuals affected with MBD4-related conditions. An algorithm developed to predict the effect of missense changes on protein structure and function (PolyPhen-2) suggests that this variant is likely to be disruptive. In summary, the available evidence is currently insufficient to determine the role of this variant in disease. Therefore, it has been classified as a Variant of Uncertain Significance.